The following is an entry in ClinVar:

ClinVar aggregate classification (germline): Uncertain significance. Review status: criteria provided, multiple submitters, no conflicts (2 of 4 stars). 2 submissions from 2 submitters: Uncertain significance (2). Last evaluated 2025-03-25.

Conditions:
Hereditary cancer-predisposing syndrome. Also called: Hereditary Cancer Syndrome; Tumor predisposition; Hereditary neoplastic syndrome; Neoplastic Syndromes, Hereditary. Identifiers: Orphanet 140162, MedGen C0027672, MeSH D009386, MONDO:0015356.
Gorlin syndrome. Also called: Basal cell nevus syndrome; Nevoid Basal Cell Carcinoma Syndrome. Identifiers: Orphanet 377, MedGen C0004779, MONDO:0007187.

Allele frequency attached by ClinVar (database versions not stated): gnomAD exomes below 0.00001.
gnomAD v4.1: 1 of 1,613,992 alleles (0.000062%); highest among the groups gnomAD compares: Non-Finnish European, 0.000085%; no homozygotes.

Submissions (2):

Ambry Genetics
Classification: Uncertain significance for Hereditary cancer-predisposing syndrome. Last evaluated: 2025-03-25. Review status: criteria provided, single submitter. Criteria: Ambry Variant Classification Scheme 2023. Collection method: clinical testing. Allele origin: germline.
Comment: The p.V322I variant (also known as c.964G>A), located in coding exon 7 of the PTCH1 gene, results from a G to A substitution at nucleotide position 964. The valine at codon 322 is replaced by isoleucine, an amino acid with highly similar properties. This amino acid position is conserved. In addition, this alteration is predicted to be tolerated by in silico analysis. Based on the available evidence, the clinical significance of this variant remains unclear.

Labcorp Genetics (formerly Invitae), Labcorp
Classification: Uncertain significance for Gorlin syndrome. Last evaluated: 2024-02-20. Review status: criteria provided, single submitter. Criteria: Invitae Variant Classification Sherloc (09022015). Collection method: clinical testing. Allele origin: germline.
Comment: This sequence change replaces valine, which is neutral and non-polar, with isoleucine, which is neutral and non-polar, at codon 322 of the PTCH1 protein (p.Val322Ile). This variant is not present in population databases (gnomAD no frequency). This variant has not been reported in the literature in individuals affected with PTCH1-related conditions. Advanced modeling of protein sequence and biophysical properties (such as structural, functional, and spatial information, amino acid conservation, physicochemical variation, residue mobility, and thermodynamic stability) performed at Invitae indicates that this missense variant is not expected to disrupt PTCH1 protein function with a negative predictive value of 95%. In summary, the available evidence is currently insufficient to determine the role of this variant in disease. Therefore, it has been classified as a Variant of Uncertain Significance.

NM_000264.5(PTCH1):c.964G>A (p.Val322Ile)

Gene: PTCH1 (patched 1; minus strand). Cytogenetic location: 9q22.32.
Variant type: single nucleotide variant.
Coding change: c.964G>A on transcript NM_000264.5 (MANE Select); coding-DNA position 964, G replaced by A.
Protein change: p.Val322Ile; replaces valine 322 with isoleucine.
Molecular consequence: missense variant. On other transcripts: non-coding transcript variant (1).
Genome position (GRCh38, 1-based): chr9:95,480,072, C>T on the plus strand (G>A on the coding strand, the complement: PTCH1 is on the minus strand). VCF-style: chr9-95480072-C-T. GRCh37 (hg19) VCF-style: chr9-98242354-C-T.
Other names: c.766G>A, p.Val256Ile (NM_001083602.3); c.961G>A, p.Val321Ile (NM_001083603.3); c.511G>A, p.Val171Ile (NM_001083604.3, NM_001083605.3, NM_001083606.3 and 1 more transcripts); c.964G>A, p.Val322Ile (NM_001354918.2); short protein forms V256I, V171I, V322I, V321I.
Identifiers: ClinVar variation 2745991 (VCV002745991.4), dbSNP rs2118395322, ClinGen allele CA374119787.
Genomic context (GRCh38, chr9:95,480,072, plus strand): 5'-TCAACTCCTCCTGCCAGTGCATATACTTTCTGGATAAGCCATGACATCCACCATTCAAAA[C>T]AAGGGCCATATCAAGAGGCTAAAATAAAAAGACAGCCACATAATTATGGGAATTAGTAGG-3'
Protein context (NP_000255.2, residues 312-332): NSTKPLDMAL[Val322Ile]LNGGCHGLSR